The following is an entry in ClinVar:

NM_006015.6(ARID1A):c.524G>A (p.Gly175Glu)

Gene: ARID1A (AT-rich interaction domain 1A; plus strand). Cytogenetic location: 1p36.11.
Variant type: single nucleotide variant.
Coding change: c.524G>A on transcript NM_006015.6 (MANE Select); coding-DNA position 524, G replaced by A.
Protein change: p.Gly175Glu; replaces glycine 175 with glutamic acid.
Molecular consequence: missense variant.
Genome position (GRCh38, 1-based): chr1:26,696,927, G>A. VCF-style: chr1-26696927-G-A. GRCh37 (hg19) VCF-style: chr1-27023418-G-A.
Other names: c.524G>A, p.Gly175Glu (NM_139135.4); short protein forms G175E.
Identifiers: ClinVar variation 2095647 (VCV002095647.4), dbSNP rs2124742280, ClinGen allele CA339265493.

ClinVar aggregate classification (germline): Uncertain significance (1 of 4 stars; one submission).

Submission:

Labcorp Genetics (formerly Invitae), Labcorp
Classification: Uncertain significance. Last evaluated: 2022-10-28. Review status: criteria provided, single submitter. Criteria: Invitae Variant Classification Sherloc (09022015). Collection method: clinical testing. Allele origin: germline.
Comment: In summary, the available evidence is currently insufficient to determine the role of this variant in disease. Therefore, it has been classified as a Variant of Uncertain Significance. Advanced modeling of protein sequence and biophysical properties (such as structural, functional, and spatial information, amino acid conservation, physicochemical variation, residue mobility, and thermodynamic stability) performed at Invitae indicates that this missense variant is not expected to disrupt ARID1A protein function. This variant has not been reported in the literature in individuals affected with ARID1A-related conditions. This variant is not present in population databases (gnomAD no frequency). This sequence change replaces glycine, which is neutral and non-polar, with glutamic acid, which is acidic and polar, at codon 175 of the ARID1A protein (p.Gly175Glu).